The following is an entry in ClinVar:

NM_001134831.2(AHI1):c.2961+5G>A

Gene: AHI1 (Abelson helper integration site 1; minus strand). Cytogenetic location: 6q23.3.
Variant type: single nucleotide variant.
Coding change: c.2961+5G>A on transcript NM_001134831.2 (MANE Select); 5 bases into the intron after coding-DNA position 2961, G replaced by A.
Molecular consequence: intron variant.
Genome position (GRCh38, 1-based): chr6:135,411,343, C>T on the plus strand (G>A on the coding strand, the complement: AHI1 is on the minus strand). VCF-style: chr6-135411343-C-T. GRCh37 (hg19) VCF-style: chr6-135732481-C-T.
Other names: c.2961+5G>A (NM_001134830.2, NM_001350503.2, NM_017651.5 and 2 more transcripts).
Identifiers: ClinVar variation 1443043 (VCV001443043.3), dbSNP rs1304755953, ClinGen allele CA819379498.
Genomic context (GRCh38, chr6:135,411,343, plus strand): 5'-TGGCATGGCAATGTAAAACAGGATAGAAATAGTTTTAAAGTTTCAACTGCATAAAATAAA[C>T]TTACTGTGACAGTTTCAAGCCTCTGTTTTACTAGCTGCATCTTCGTTGAAGAACTTTCAG-3'

ClinVar aggregate classification (germline): Uncertain significance (1 of 4 stars; one submission).

Conditions:
Joubert syndrome. Also called: CEREBELLOPARENCHYMAL DISORDER IV; JOUBERT-BOLTSHAUSER SYNDROME; Familial aplasia of the vermis. Identifiers: Orphanet 475, MedGen C5979921, MONDO:0018772.

Allele frequency attached by ClinVar (database versions not stated): TOPMed below 0.00001; gnomAD 0.00001; gnomAD exomes 0.00001.
gnomAD v4.1: 12 of 1,599,456 alleles (0.00075%); highest among the groups gnomAD compares: Non-Finnish European, 0.00094%; no homozygotes.

Submission:

Labcorp Genetics (formerly Invitae), Labcorp
Classification: Uncertain significance for Joubert syndrome. Last evaluated: 2022-07-12. Review status: criteria provided, single submitter. Criteria: Invitae Variant Classification Sherloc (09022015). Collection method: clinical testing. Allele origin: germline.
Comment: This sequence change falls in intron 20 of the AHI1 gene. It does not directly change the encoded amino acid sequence of the AHI1 protein. It affects a nucleotide within the consensus splice site. This variant is not present in population databases (gnomAD no frequency). This variant has not been reported in the literature in individuals affected with AHI1-related conditions. ClinVar contains an entry for this variant (Variation ID: 1443043). Variants that disrupt the consensus splice site are a relatively common cause of aberrant splicing (PMID: 17576681, 9536098). Algorithms developed to predict the effect of sequence changes on RNA splicing suggest that this variant may disrupt the consensus splice site. In summary, the available evidence is currently insufficient to determine the role of this variant in disease. Therefore, it has been classified as a Variant of Uncertain Significance.

Literature cited by the submitters: PubMed 17576681; PubMed 9536098.